The following is an entry in ClinVar:

ClinVar aggregate classification (germline): Conflicting classifications of pathogenicity. Review status: criteria provided, conflicting classifications (1 of 4 stars). 3 submissions from 2 submitters: Uncertain significance (2); Likely benign (1). Last evaluated 2023-08-01.

Conditions:
Transitory neonatal diabetes mellitus. Also called: Transient neonatal diabetes mellitus. Identifiers: MedGen C0342273, MONDO:0020525, HP:0008255.
Maturity-onset diabetes of the young (MODY). Also called: Maturity onset diabetes mellitus in young. Identifiers: Orphanet 552, MedGen C0342276, MONDO:0018911, HP:0004904.

Allele frequency attached by ClinVar (database versions not stated): gnomAD exomes below 0.00001 and 0.00001; ExAC 0.00001.
gnomAD v4.1: 3 of 1,614,210 alleles (0.00019%); highest among the groups gnomAD compares: Non-Finnish European, 0.00025%; no homozygotes.

Submissions (3):

Labcorp Genetics (formerly Invitae), Labcorp
Classification: Likely benign. Last evaluated: 2023-08-01. Review status: criteria provided, single submitter. Criteria: Invitae Variant Classification Sherloc (09022015). Collection method: clinical testing. Allele origin: germline.

Clinical Genomics, Uppaluri K&H Personalized Medicine Clinic
Classification: Uncertain significance for Transitory neonatal diabetes mellitus. Review status: criteria provided, single submitter. Criteria: K & H Uppaluri Personalized Medicine Clinic Variant Classification & Assertion Criteria_Updated V.1. Collection method: research. Allele origin: somatic. Inheritance: Somatic mutation.
Comment: Mutations in ABCC8 gene are associated with both neonatal diabetes mellitus as well as MODY. Patients with this mutation may have a better response to sulfonylureas. However, no sufficient evidence is found to ascertain the role of this particular variant (rs757191246) in neonatal diabetes yet.

Clinical Genomics, Uppaluri K&H Personalized Medicine Clinic
Classification: Uncertain significance for Maturity-onset diabetes of the young. Review status: criteria provided, single submitter. Criteria: K & H Uppaluri Personalized Medicine Clinic Variant Classification & Assertion Criteria_Updated V.1. Collection method: research. Allele origin: somatic. Inheritance: Somatic mutation.
Comment: Mutations in ABCC8 gene are associated with both neonatal diabetes mellitus as well as MODY. Patients with this mutation may have a better response to sulfonylureas. However, no sufficient evidence is found to ascertain the role of this particular variant (rs757191246) in MODY yet.

Literature cited by the submitters: PubMed 16885549 (cited by Clinical Genomics, Uppaluri K&H Personalized Medicine Clinic); PubMed 21989597 (cited by Clinical Genomics, Uppaluri K&H Personalized Medicine Clinic); PubMed 27538677 (cited by Clinical Genomics, Uppaluri K&H Personalized Medicine Clinic); PubMed 18981553 (cited by Clinical Genomics, Uppaluri K&H Personalized Medicine Clinic); PubMed 32027066 (cited by Clinical Genomics, Uppaluri K&H Personalized Medicine Clinic); PubMed 16613899 (cited by Clinical Genomics, Uppaluri K&H Personalized Medicine Clinic); PubMed 18025408 (cited by Clinical Genomics, Uppaluri K&H Personalized Medicine Clinic); PubMed 32792356 (cited by Clinical Genomics, Uppaluri K&H Personalized Medicine Clinic).

NM_000352.6(ABCC8):c.3339G>A (p.Glu1113=)

Gene: ABCC8 (ATP binding cassette subfamily C member 8; minus strand). Cytogenetic location: 11p15.1.
Variant type: single nucleotide variant.
Coding change: c.3339G>A on transcript NM_000352.6 (MANE Select); coding-DNA position 3339, G replaced by A.
Protein change: p.Glu1113=; no amino-acid change (glutamic acid 1113 retained).
Molecular consequence: synonymous variant. On other transcripts: non-coding transcript variant (1).
Genome position (GRCh38, 1-based): chr11:17,405,554, C>T on the plus strand (G>A on the coding strand, the complement: ABCC8 is on the minus strand). VCF-style: chr11-17405554-C-T. GRCh37 (hg19) VCF-style: chr11-17427101-C-T.
Other names: c.3342G>A, p.Glu1114= (NM_001287174.3); c.3405G>A, p.Glu1135= (NM_001351295.2); c.3339G>A, p.Glu1113= (NM_001351296.2); c.3336G>A, p.Glu1112= (NM_001351297.2).
Identifiers: ClinVar variation 795462 (VCV000795462.11), dbSNP rs757191246, ClinGen allele CA5902850.